The following is an entry in ClinVar:

ClinVar aggregate classification (germline): Benign/Likely benign. Review status: criteria provided, multiple submitters, no conflicts (2 of 4 stars). 4 submissions from 4 submitters: Benign (1); Likely benign (3). Last evaluated 2025-11-15.

Conditions:
Hereditary cancer-predisposing syndrome. Also called: Neoplastic Syndromes, Hereditary; Hereditary neoplastic syndrome; Hereditary Cancer Syndrome; Tumor predisposition. Identifiers: Orphanet 140162, MedGen C0027672, MeSH D009386, MONDO:0015356.
Hereditary diffuse gastric adenocarcinoma (HDGC). Also called: DIFFUSE GASTRIC AND LOBULAR BREAST CANCER SYNDROME. Identifiers: Orphanet 26106, MedGen C1708349, MONDO:0007648, OMIM 137215.

Allele frequency attached by ClinVar (database versions not stated): TOPMed below 0.00001; ExAC 0.00001; gnomAD 0.00001; gnomAD exomes 0.00001 and 0.00002.
gnomAD v4.1: 13 of 1,614,090 alleles (0.00081%); highest among the groups gnomAD compares: East Asian, 0.025%; no homozygotes.

Submissions (4):

Labcorp Genetics (formerly Invitae), Labcorp
Classification: Likely benign. Last evaluated: 2025-11-15. Review status: criteria provided, single submitter. Criteria: Invitae Variant Classification Sherloc (09022015). Collection method: clinical testing. Allele origin: germline.

Myriad Genetics, Inc.
Classification: Benign for Hereditary diffuse gastric adenocarcinoma. Last evaluated: 2024-10-10. Review status: criteria provided, single submitter. Criteria: Myriad Autosomal Dominant, Autosomal Recessive and X-Linked Classification Criteria (2023). Collection method: clinical testing. Allele origin: unknown.
Comment: This variant is considered benign. This variant is a silent/synonymous amino acid change and it is not expected to impact splicing.

Blueprint Genetics
Classification: Likely benign. Last evaluated: 2023-05-03. Review status: criteria provided, single submitter. Criteria: ACMG Guidelines, 2015. Collection method: clinical testing. Allele origin: germline.

Ambry Genetics
Classification: Likely benign for Hereditary cancer-predisposing syndrome. Last evaluated: 2020-09-30. Review status: criteria provided, single submitter. Criteria: Ambry Variant Classification Scheme 2023. Collection method: clinical testing. Allele origin: germline.

NM_001903.5(CTNNA1):c.870T>C (p.Ile290=)

Gene: CTNNA1 (catenin alpha 1; plus strand). Cytogenetic location: 5q31.2.
Variant type: single nucleotide variant.
Coding change: c.870T>C on transcript NM_001903.5 (MANE Select); coding-DNA position 870, T replaced by C.
Protein change: p.Ile290=; no amino-acid change (isoleucine 290 retained).
Molecular consequence: synonymous variant.
Genome position (GRCh38, 1-based): chr5:138,827,526, T>C. VCF-style: chr5-138827526-T-C. GRCh37 (hg19) VCF-style: chr5-138163215-T-C.
Other names: c.870T>C, p.Ile290= (NM_001290307.3, NM_001323982.2, NM_001323983.1 and 3 more transcripts); c.561T>C, p.Ile187= (NM_001290309.3); c.501T>C, p.Ile167= (NM_001290310.3).
Identifiers: ClinVar variation 697575 (VCV000697575.15), dbSNP rs756292363, ClinGen allele CA3431586.